The following is an entry in ClinVar:

NM_003074.4(SMARCC1):c.2754A>C (p.Glu918Asp)

Gene: SMARCC1 (SWI/SNF related BAF chromatin remodeling complex subunit C1; minus strand). Cytogenetic location: 3p21.31.
Variant type: single nucleotide variant.
Coding change: c.2754A>C on transcript NM_003074.4 (MANE Select); coding-DNA position 2754, A replaced by C.
Protein change: p.Glu918Asp; replaces glutamic acid 918 with aspartic acid.
Molecular consequence: missense variant.
Genome position (GRCh38, 1-based): chr3:47,622,234, T>G on the plus strand (A>C on the coding strand, the complement: SMARCC1 is on the minus strand). VCF-style: chr3-47622234-T-G. GRCh37 (hg19) VCF-style: chr3-47663724-T-G.
Other names: short protein forms E918D.
Identifiers: ClinVar variation 3342426 (VCV003342426.1).

ClinVar aggregate classification (germline): Uncertain significance (1 of 4 stars; one submission).

Submission:

GeneDx
Classification: Uncertain significance. Last evaluated: 2022-02-24. Review status: criteria provided, single submitter. Criteria: GeneDx Variant Classification Process June 2021. Collection method: clinical testing. Allele origin: germline. Affected: yes.
Comment: Not observed at significant frequency in large population cohorts (gnomAD); In silico analysis supports that this missense variant has a deleterious effect on protein structure/function; Has not been previously published as pathogenic or benign to our knowledge; Variants in candidate genes are classified as variants of uncertain significance in accordance with ACMG guidelines (Richards et al., 2015)